The following is an entry in ClinVar:

NM_000038.6(APC):c.5932G>A (p.Glu1978Lys)

Gene: APC (APC regulator of Wnt signaling pathway; plus strand). Cytogenetic location: 5q22.2.
Variant type: single nucleotide variant.
Coding change: c.5932G>A on transcript NM_000038.6 (MANE Select); coding-DNA position 5932, G replaced by A.
Protein change: p.Glu1978Lys; replaces glutamic acid 1978 with lysine.
Molecular consequence: missense variant.
Genome position (GRCh38, 1-based): chr5:112,841,526, G>A. VCF-style: chr5-112841526-G-A. GRCh37 (hg19) VCF-style: chr5-112177223-G-A.
Other names: c.5932G>A, p.Glu1978Lys (NM_001127510.3, NM_001354895.2); c.5878G>A, p.Glu1960Lys (NM_001127511.3); c.5986G>A, p.Glu1996Lys (NM_001354896.2); c.5962G>A, p.Glu1988Lys (NM_001354897.2); c.5857G>A, p.Glu1953Lys (NM_001354898.2); c.5848G>A, p.Glu1950Lys (NM_001354899.2); c.5809G>A, p.Glu1937Lys (NM_001354900.2); c.5755G>A, p.Glu1919Lys (NM_001354901.2); and 5 more; short protein forms E1695K, E1877K, E1887K, E1937K, E1953K, E1978K, E1852K, E1919K.
Identifiers: ClinVar variation 945257 (VCV000945257.13), dbSNP rs1766090907, ClinGen allele CA16034309.
Genomic context (GRCh38, chr5:112,841,526, plus strand): 5'-AATACTCCGGTTTGCTTTTCTCATAATTCCTCTCTGAGTTCTCTCAGTGACATTGACCAA[G>A]AAAACAACAATAAAGAAAATGAACCTATCAAAGAGACTGAGCCCCCTGACTCACAGGGAG-3'
Protein context (NP_000029.2, residues 1968-1988): SLSSLSDIDQ[Glu1978Lys]NNNKENEPIK

ClinVar aggregate classification (germline): Uncertain significance. Review status: criteria provided, multiple submitters, no conflicts (2 of 4 stars). 3 submissions from 3 submitters: Uncertain significance (3). Last evaluated 2026-04-01.

Conditions:
Familial adenomatous polyposis 1 (FAP1). Also called: FAMILIAL ADENOMATOUS POLYPOSIS 1, ATTENUATED; POLYPOSIS, ADENOMATOUS INTESTINAL. Identifiers: MedGen C2713442, MONDO:0021056, OMIM 175100. Disease mechanism: loss of function.
Hereditary cancer-predisposing syndrome. Also called: Neoplastic Syndromes, Hereditary; Tumor predisposition; Hereditary neoplastic syndrome; Hereditary Cancer Syndrome. Identifiers: Orphanet 140162, MedGen C0027672, MeSH D009386, MONDO:0015356.

Submissions (3):

CeGaT Center for Human Genetics Tuebingen
Classification: Uncertain significance. Last evaluated: 2026-04-01. Review status: criteria provided, single submitter. Criteria: CeGaT Center For Human Genetics Tuebingen Variant Classification Criteria Version 2. Collection method: clinical testing. Allele origin: germline. Affected: yes. Observed: 1 variant allele.
Comment: APC: PM2

Color Diagnostics, LLC DBA Color Health
Classification: Uncertain significance for Hereditary cancer-predisposing syndrome. Last evaluated: 2025-07-29. Review status: criteria provided, single submitter. Criteria: ACMG Guidelines, 2015. Collection method: clinical testing. Allele origin: germline.
Comment: This missense variant replaces glutamic acid with lysine at codon 1978 of the APC protein. Computational prediction suggests that this variant may not impact protein structure and function. To our knowledge, functional studies have not been reported for this variant. This variant has not been reported in individuals affected with APC-related disorders in the literature. This variant has not been identified in the general population by the Genome Aggregation Database (gnomAD). The available evidence is insufficient to determine the role of this variant in disease conclusively. Therefore, this variant is classified as a Variant of Uncertain Significance.

Labcorp Genetics (formerly Invitae), Labcorp
Classification: Uncertain significance for Familial adenomatous polyposis 1. Last evaluated: 2022-03-05. Review status: criteria provided, single submitter. Criteria: Invitae Variant Classification Sherloc (09022015). Collection method: clinical testing. Allele origin: germline.
Comment: This sequence change replaces glutamic acid, which is acidic and polar, with lysine, which is basic and polar, at codon 1978 of the APC protein (p.Glu1978Lys). This variant is not present in population databases (gnomAD no frequency). This variant has not been reported in the literature in individuals affected with APC-related conditions. ClinVar contains an entry for this variant (Variation ID: 945257). Algorithms developed to predict the effect of missense changes on protein structure and function are either unavailable or do not agree on the potential impact of this missense change (SIFT: "Deleterious"; PolyPhen-2: "Probably Damaging"; Align-GVGD: "Class C0"). In summary, the available evidence is currently insufficient to determine the role of this variant in disease. Therefore, it has been classified as a Variant of Uncertain Significance.